The following is an entry in ClinVar:

NM_005051.3(QARS1):c.877-9C>G

Gene: QARS1 (glutaminyl-tRNA synthetase 1; minus strand). Cytogenetic location: 3p21.31.
Variant type: single nucleotide variant.
Coding change: c.877-9C>G on transcript NM_005051.3 (MANE Select); 9 bases into the intron before coding-DNA position 877, C replaced by G.
Molecular consequence: intron variant.
Genome position (GRCh38, 1-based): chr3:49,100,683, G>C on the plus strand (C>G on the coding strand, the complement: QARS1 is on the minus strand). VCF-style: chr3-49100683-G-C. GRCh37 (hg19) VCF-style: chr3-49138116-G-C.
Other names: c.844-9C>G (NM_001272073.2).
Identifiers: ClinVar variation 1999927 (VCV001999927.4), dbSNP rs1312783897, ClinGen allele CA542801973.

ClinVar aggregate classification (germline): Uncertain significance (1 of 4 stars; one submission).

Conditions:
Diffuse cerebral and cerebellar atrophy - intractable seizures - progressive microcephaly syndrome. Also called: Microcephaly, progressive, with seizures and cerebral and cerebellar atrophy. Identifiers: Orphanet 404437, MedGen C4014239, MONDO:0014335, OMIM 615760.

Submission:

Labcorp Genetics (formerly Invitae), Labcorp
Classification: Uncertain significance for Diffuse cerebral and cerebellar atrophy - intractable seizures - progressive microcephaly syndrome. Last evaluated: 2022-05-28. Review status: criteria provided, single submitter. Criteria: Invitae Variant Classification Sherloc (09022015). Collection method: clinical testing. Allele origin: germline.
Comment: This sequence change falls in intron 10 of the QARS gene. It does not directly change the encoded amino acid sequence of the QARS protein. This variant is not present in population databases (gnomAD no frequency). This variant has not been reported in the literature in individuals affected with QARS-related conditions. Algorithms developed to predict the effect of sequence changes on RNA splicing suggest that this variant may disrupt the consensus splice site. In summary, the available evidence is currently insufficient to determine the role of this variant in disease. Therefore, it has been classified as a Variant of Uncertain Significance.